The following is an entry in ClinVar:

NM_002739.5(PRKCG):c.821+109_821+110del

Gene: PRKCG (protein kinase C gamma; plus strand). Cytogenetic location: 19q13.42.
Variant type: Microsatellite.
Coding change: c.821+109_821+110del on transcript NM_002739.5 (MANE Select); bases 109 to 110 of the intron after coding-DNA position 821, 2 bases deleted (GC; older notation c.821+109_821+110delGC).
Molecular consequence: intron variant.
Genome position (GRCh38, 1-based): chr19:53,892,752-53,892,753, GC deleted; deleting any 2 consecutive bases within chr19:53,892,750-53,892,753 gives the same sequence; the c. name uses the placement nearest the transcript's 3' end. VCF-style (leftmost placement, unchanged base first): chr19-53892749-TGC-T. GRCh37 (hg19) VCF-style: chr19-54396003-TGC-T.
Other names: c.821+109_821+110del (NM_001316329.2).
Identifiers: ClinVar variation 1704191 (VCV001704191.2), dbSNP rs780235525, ClinGen allele CA633839902.

ClinVar aggregate classification (germline): Likely benign (1 of 4 stars; one submission).

Submission:

GeneDx
Classification: Likely benign. Last evaluated: 2022-02-21. Review status: criteria provided, single submitter. Criteria: GeneDx Variant Classification Process June 2021. Collection method: clinical testing. Allele origin: germline. Affected: yes.
Comment: See Variant Classification Assertion Criteria.